The following is an entry in ClinVar:

ClinVar aggregate classification (germline): Uncertain significance (1 of 4 stars; one submission).

Conditions:
Fabry disease. Also called: Fabry's disease; ALPHA-GALACTOSIDASE A DEFICIENCY; ANDERSON-FABRY DISEASE; CERAMIDE TRIHEXOSIDASE DEFICIENCY; GLA DEFICIENCY; HEREDITARY DYSTOPIC LIPIDOSIS. Identifiers: Orphanet 324, MedGen C0002986, MONDO:0010526, OMIM 301500, HP:0001071. Disease mechanism: Fabry disease is due to inactivating mutations in the X-linked GLA gene resulting in deficiency of the enzyme Alpha Galactosidase-A., loss of function.

Submission:

Genomenon, Inc
Classification: Uncertain significance for Fabry disease. Last evaluated: 2026-09-08. Review status: criteria provided, single submitter. Criteria: Genomenon Sequence Variant Interpretation Standards - Updated. Collection method: curation. Allele origin: germline. Affected: yes.
Comment: GLA p.Trp245Cys (c.735G>C) is a missense variant that changes the amino acid at codon 245 from Tryptophan to Cysteine. This variant has been observed in at least one proband with clinical features consistent with Fabry disease (PMID:40959062). It is absent or not present at a significant frequency in gnomAD. In silico models predict that this variant is possibly or probably damaging. In conclusion, we classify GLA p.Trp245Cys (c.735G>C) as a variant of uncertain significance.

Literature cited by the submitters: PubMed 40959062.

NM_000169.3(GLA):c.735G>C (p.Trp245Cys)

Genes: GLA (galactosidase alpha; minus strand), RPL36A-HNRNPH2 (RPL36A-HNRNPH2 readthrough; plus strand). Cytogenetic location: Xq22.1.
Variant type: single nucleotide variant.
Coding change: c.735G>C on transcript NM_000169.3 (MANE Select); coding-DNA position 735, G replaced by C.
Protein change: p.Trp245Cys; replaces tryptophan 245 with cysteine.
Molecular consequence: missense variant. On other transcripts: non-coding transcript variant (3), intron variant (2).
Genome position (GRCh38, 1-based): chrX:101,398,851, C>G on the plus strand (G>C on the coding strand, the complement: GLA is on the minus strand). VCF-style: chrX-101398851-C-G. GRCh37 (hg19) VCF-style: chrX-100653839-C-G.
Other names: c.858G>C, p.Trp286Cys (NM_001406747.1); c.735G>C, p.Trp245Cys (NM_001406748.1); c.300+3394C>G (NM_001199973.2); c.177+7029C>G (NM_001199974.2); short protein forms W245C, W286C.
Identifiers: ClinVar variation 4974919 (VCV004974919.1).